The following is an entry in ClinVar:

NM_022124.6(CDH23):c.2226C>A (p.Tyr742Ter)

Gene: CDH23 (cadherin related 23; plus strand). Cytogenetic location: 10q22.1.
Variant type: single nucleotide variant.
Coding change: c.2226C>A on transcript NM_022124.6 (MANE Select); coding-DNA position 2226, C replaced by A.
Protein change: p.Tyr742Ter; replaces tyrosine 742 with a stop codon.
Molecular consequence: nonsense.
Genome position (GRCh38, 1-based): chr10:71,694,196, C>A. VCF-style: chr10-71694196-C-A. GRCh37 (hg19) VCF-style: chr10-73453953-C-A.
Other names: c.2226C>A, p.Tyr742Ter (NM_001171930.2, NM_001171931.2); short protein forms Y742*.
Identifiers: ClinVar variation 2835815 (VCV002835815.3), dbSNP rs768771335, ClinGen allele CA377134825.

ClinVar aggregate classification (germline): Pathogenic (1 of 4 stars; one submission).

Submission:

Labcorp Genetics (formerly Invitae), Labcorp
Classification: Pathogenic. Last evaluated: 2023-02-09. Review status: criteria provided, single submitter. Criteria: Invitae Variant Classification Sherloc (09022015). Collection method: clinical testing. Allele origin: germline.
Comment: This sequence change creates a premature translational stop signal (p.Tyr742*) in the CDH23 gene. It is expected to result in an absent or disrupted protein product. Loss-of-function variants in CDH23 are known to be pathogenic (PMID: 11138009, 21940737). This variant is not present in population databases (gnomAD no frequency). This variant has not been reported in the literature in individuals affected with CDH23-related conditions. For these reasons, this variant has been classified as Pathogenic.

Literature cited by the submitters: PubMed 11138009; PubMed 21940737.